The following is an entry in ClinVar:

NM_014314.4(RIGI):c.814T>C (p.Phe272Leu)

Gene: RIGI (RNA sensor RIG-I; minus strand). Cytogenetic location: 9p21.1.
Variant type: single nucleotide variant.
Coding change: c.814T>C on transcript NM_014314.4 (MANE Select); coding-DNA position 814, T replaced by C.
Protein change: p.Phe272Leu; replaces phenylalanine 272 with leucine.
Molecular consequence: missense variant.
Genome position (GRCh38, 1-based): chr9:32,488,873, A>G on the plus strand (T>C on the coding strand, the complement: RIGI is on the minus strand). VCF-style: chr9-32488873-A-G. GRCh37 (hg19) VCF-style: chr9-32488871-A-G.
Other names: c.814T>C, p.Phe272Leu (NM_001385907.1, NM_001385909.1); c.373T>C, p.Phe125Leu (NM_001385910.1); c.205T>C, p.Phe69Leu (NM_001385912.1); c.799T>C, p.Phe267Leu (NM_001385913.1); c.370T>C, p.Phe124Leu (NM_001385914.1); short protein forms F125L, F69L, F267L, F124L, F272L.
Identifiers: ClinVar variation 2803008 (VCV002803008.3), dbSNP rs2489333104, ClinGen allele CA373158715.

ClinVar aggregate classification (germline): Uncertain significance (1 of 4 stars; one submission).

Submission:

Labcorp Genetics (formerly Invitae), Labcorp
Classification: Uncertain significance. Last evaluated: 2022-12-18. Review status: criteria provided, single submitter. Criteria: Invitae Variant Classification Sherloc (09022015). Collection method: clinical testing. Allele origin: germline.
Comment: This sequence change replaces phenylalanine, which is neutral and non-polar, with leucine, which is neutral and non-polar, at codon 272 of the DDX58 protein (p.Phe272Leu). This variant is not present in population databases (gnomAD no frequency). This variant has not been reported in the literature in individuals affected with DDX58-related conditions. Advanced modeling of protein sequence and biophysical properties (such as structural, functional, and spatial information, amino acid conservation, physicochemical variation, residue mobility, and thermodynamic stability) performed at Invitae indicates that this missense variant is not expected to disrupt DDX58 protein function. In summary, the available evidence is currently insufficient to determine the role of this variant in disease. Therefore, it has been classified as a Variant of Uncertain Significance.